The following is an entry in ClinVar:

NM_004260.4(RECQL4):c.2800T>C (p.Trp934Arg)

Gene: RECQL4 (RecQ like helicase 4; minus strand). Cytogenetic location: 8q24.3.
Variant type: single nucleotide variant.
Coding change: c.2800T>C on transcript NM_004260.4 (MANE Select); coding-DNA position 2800, T replaced by C.
Protein change: p.Trp934Arg; replaces tryptophan 934 with arginine.
Molecular consequence: missense variant. On other transcripts: non-coding transcript variant (3).
Genome position (GRCh38, 1-based): chr8:144,512,727, A>G on the plus strand (T>C on the coding strand, the complement: RECQL4 is on the minus strand). VCF-style: chr8-144512727-A-G. GRCh37 (hg19) VCF-style: chr8-145738110-A-G.
Other names: c.2506T>C, p.Trp836Arg (NM_001413017.1); c.2602T>C, p.Trp868Arg (NM_001413018.1); c.2875T>C, p.Trp959Arg (NM_001413019.1); c.2704T>C, p.Trp902Arg (NM_001413020.1); c.1729T>C, p.Trp577Arg (NM_001413021.1, NM_001413022.1, NM_001413024.1 and 4 more transcripts); c.1804T>C, p.Trp602Arg (NM_001413023.1); c.2671T>C, p.Trp891Arg (NM_001413025.1); c.1663T>C, p.Trp555Arg (NM_001413027.1, NM_001413030.1, NM_001413032.1); and 9 more; short protein forms W580R, W868R, W924R, W567R, W577R, W836R, W891R, W555R.
Identifiers: ClinVar variation 2920182 (VCV002920182.3), dbSNP rs1827484063, ClinGen allele CA372674381.

ClinVar aggregate classification (germline): Uncertain significance (1 of 4 stars; one submission).

Conditions:
Baller-Gerold syndrome (BGS). Also called: CRANIOSYNOSTOSIS WITH RADIAL DEFECTS. Identifiers: Orphanet 1225, MedGen C0265308, MONDO:0009039, OMIM 218600.

Submission:

Labcorp Genetics (formerly Invitae), Labcorp
Classification: Uncertain significance for Baller-Gerold syndrome. Last evaluated: 2023-06-09. Review status: criteria provided, single submitter. Criteria: Invitae Variant Classification Sherloc (09022015). Collection method: clinical testing. Allele origin: germline.
Comment: In summary, the available evidence is currently insufficient to determine the role of this variant in disease. Therefore, it has been classified as a Variant of Uncertain Significance. Advanced modeling of protein sequence and biophysical properties (such as structural, functional, and spatial information, amino acid conservation, physicochemical variation, residue mobility, and thermodynamic stability) has been performed at Invitae for this missense variant, however the output from this modeling did not meet the statistical confidence thresholds required to predict the impact of this variant on RECQL4 protein function. This variant has not been reported in the literature in individuals affected with RECQL4-related conditions. This variant is not present in population databases (gnomAD no frequency). This sequence change replaces tryptophan, which is neutral and slightly polar, with arginine, which is basic and polar, at codon 934 of the RECQL4 protein (p.Trp934Arg).